The following is an entry in ClinVar:

ClinVar aggregate classification (germline): Likely benign. Review status: criteria provided, multiple submitters, no conflicts (2 of 4 stars). 2 submissions from 2 submitters: Likely benign (2). Last evaluated 2026-08-05.

Conditions:
PHIP-related disorder. Also called: PHIP-related condition; PHIP-related disorders.

Submissions (2):

PreventionGenetics, part of Exact Sciences
Classification: Likely benign for PHIP-related condition. Last evaluated: 2026-08-05. Review status: criteria provided, single submitter. Criteria: ACMG Guidelines, 2015. Collection method: clinical testing. Allele origin: germline.
Comment: This variant is classified as likely benign based on ACMG/AMP sequence variant interpretation guidelines (Richards et al. 2015 PMID: 25741868, with internal and published modifications).

Labcorp Genetics (formerly Invitae), Labcorp
Classification: Likely benign. Last evaluated: 2025-02-27. Review status: criteria provided, single submitter. Criteria: Invitae Variant Classification Sherloc (09022015). Collection method: clinical testing. Allele origin: germline.

NM_017934.7(PHIP):c.4053+8T>G

Genes: IRAK1BP1 (interleukin 1 receptor associated kinase 1 binding protein 1; plus strand), PHIP (PHIP subunit of CUL4-Ring ligase complex; minus strand). Cytogenetic location: 6q14.1.
Variant type: single nucleotide variant.
Coding change: c.4053+8T>G on transcript NM_017934.7 (MANE Select); 8 bases into the intron after coding-DNA position 4053, T replaced by G.
Molecular consequence: intron variant.
Genome position (GRCh38, 1-based): chr6:78,954,806, A>C on the plus strand (T>G on the coding strand, the complement: PHIP is on the minus strand). VCF-style: chr6-78954806-A-C. GRCh37 (hg19) VCF-style: chr6-79664523-A-C.
Other names: c.4053+8T>G (NM_017934.6).
Identifiers: ClinVar variation 2887081 (VCV002887081.4), dbSNP rs767431137, ClinGen allele CA2739273252.
Genomic context (GRCh38, chr6:78,954,806, plus strand): 5'-AGCCAACTGTCATGTAAAAGGTATGTAGCAAACTGACAGGTAAAGAAAATATTTTCAAAA[A>C]TACTTACTGGATATTCAAGGAGATCTACCGGCTGACGGAAAGGCTCTGAATCTTCACATT-3'